The following is an entry in ClinVar:

ClinVar aggregate classification (germline): Uncertain significance. Review status: criteria provided, multiple submitters, no conflicts (2 of 4 stars). 2 submissions from 2 submitters: Uncertain significance (2). Last evaluated 2026-05-26.

Conditions:
CREBBP-related disorder. Also called: CREBBP-related condition; CREBBP-related disorders.
Rubinstein-Taybi syndrome (RSTS). Identifiers: Orphanet 783, MedGen C0035934, MONDO:0019188.

Allele frequency attached by ClinVar (database versions not stated): gnomAD exomes below 0.00001; ExAC 0.00001.
gnomAD v4.1: 2 of 1,612,570 alleles (0.00012%); highest among the groups gnomAD compares: Admixed American, 0.0033%; no homozygotes.

Submissions (2):

PreventionGenetics, part of Exact Sciences
Classification: Uncertain significance for CREBBP-related condition. Last evaluated: 2026-05-26. Review status: criteria provided, single submitter. Criteria: ACMG Guidelines, 2015. Collection method: clinical testing. Allele origin: germline.
Comment: The CREBBP c.6625C>G variant is predicted to result in the amino acid substitution p.Gln2209Glu. To our knowledge, this variant has not been reported in the literature. This variant is reported in 0.0058% of alleles in individuals of Latino descent in gnomAD. At this time, the clinical significance of this variant is uncertain due to the absence of conclusive functional and genetic evidence.

Labcorp Genetics (formerly Invitae), Labcorp
Classification: Uncertain significance for Rubinstein-Taybi syndrome. Last evaluated: 2023-11-12. Review status: criteria provided, single submitter. Criteria: Invitae Variant Classification Sherloc (09022015). Collection method: clinical testing. Allele origin: germline.
Comment: This sequence change replaces glutamine, which is neutral and polar, with glutamic acid, which is acidic and polar, at codon 2209 of the CREBBP protein (p.Gln2209Glu). The frequency data for this variant in the population databases is considered unreliable, as metrics indicate poor data quality at this position in the gnomAD database. This variant has not been reported in the literature in individuals affected with CREBBP-related conditions. Advanced modeling of protein sequence and biophysical properties (such as structural, functional, and spatial information, amino acid conservation, physicochemical variation, residue mobility, and thermodynamic stability) performed at Invitae indicates that this missense variant is not expected to disrupt CREBBP protein function with a negative predictive value of 95%. In summary, the available evidence is currently insufficient to determine the role of this variant in disease. Therefore, it has been classified as a Variant of Uncertain Significance.

NM_004380.3(CREBBP):c.6625C>G (p.Gln2209Glu)

Gene: CREBBP (CREB binding lysine acetyltransferase; minus strand). Cytogenetic location: 16p13.3.
Variant type: single nucleotide variant.
Coding change: c.6625C>G on transcript NM_004380.3 (MANE Select); coding-DNA position 6625, C replaced by G.
Protein change: p.Gln2209Glu; replaces glutamine 2209 with glutamic acid.
Molecular consequence: missense variant.
Genome position (GRCh38, 1-based): chr16:3,728,422, G>C on the plus strand (C>G on the coding strand, the complement: CREBBP is on the minus strand). VCF-style: chr16-3728422-G-C. GRCh37 (hg19) VCF-style: chr16-3778423-G-C.
Other names: c.6511C>G, p.Gln2171Glu (NM_001079846.1); c.6625C>G (NM_004380.2); short protein forms Q2209E, Q2171E.
Identifiers: ClinVar variation 2829277 (VCV002829277.4), dbSNP rs760988505, ClinGen allele CA7869058.